The following is an entry in ClinVar:

NM_001205019.2(GK):c.1522A>G (p.Thr508Ala)

Gene: GK (glycerol kinase; plus strand). Cytogenetic location: Xp21.2.
Variant type: single nucleotide variant.
Coding change: c.1522A>G on transcript NM_001205019.2 (MANE Select); coding-DNA position 1522, A replaced by G.
Protein change: p.Thr508Ala; replaces threonine 508 with alanine.
Molecular consequence: missense variant. On other transcripts: non-coding transcript variant (7).
Genome position (GRCh38, 1-based): chrX:30,724,121, A>G. VCF-style: chrX-30724121-A-G. GRCh37 (hg19) VCF-style: chrX-30742238-A-G.
Other names: c.1504A>G, p.Thr502Ala (NM_000167.6, NM_001128127.3); c.1588A>G, p.Thr530Ala (NM_001399987.1); c.1522A>G, p.Thr508Ala (NM_203391.4); short protein forms T502A, T508A, T530A.
Identifiers: ClinVar variation 1700323 (VCV001700323.2), dbSNP rs1937035055, ClinGen allele CA412642340.

ClinVar aggregate classification (germline): Uncertain significance (1 of 4 stars; one submission).

Allele frequency attached by ClinVar (database versions not stated): TOPMed below 0.00001.

Submission:

GeneDx
Classification: Uncertain significance. Last evaluated: 2022-02-02. Review status: criteria provided, single submitter. Criteria: GeneDx Variant Classification Process June 2021. Collection method: clinical testing. Allele origin: germline. Affected: yes.
Comment: Not observed at significant frequency in large population cohorts (gnomAD); In silico analysis supports that this missense variant does not alter protein structure/function; Has not been previously published as pathogenic or benign to our knowledge